The following is an entry in ClinVar:

NM_004211.5(SLC6A5):c.1888C>T (p.Gln630Ter)

Gene: SLC6A5 (solute carrier family 6 member 5; plus strand). Cytogenetic location: 11p15.1.
Variant type: single nucleotide variant.
Coding change: c.1888C>T on transcript NM_004211.5 (MANE Select); coding-DNA position 1888, C replaced by T.
Protein change: p.Gln630Ter; replaces glutamine 630 with a stop codon.
Molecular consequence: nonsense.
Genome position (GRCh38, 1-based): chr11:20,638,477, C>T. VCF-style: chr11-20638477-C-T. GRCh37 (hg19) VCF-style: chr11-20660023-C-T.
Other names: C1888T; c.1186C>T, p.Gln396Ter (NM_001318369.2); short protein forms Q630*, Q396*.
Identifiers: ClinVar variation 5764 (VCV000005764.4), dbSNP rs121908495, ClinGen allele CA340454.

ClinVar aggregate classification (germline): Pathogenic. Review status: no assertion criteria provided (0 of 4 stars). 2 submissions from 2 submitters: Pathogenic (2). Last evaluated 2012-10-04.

Conditions:
Hyperekplexia 3 (HKPX3). Also called: HYPEREKPLEXIA 3, AUTOSOMAL RECESSIVE; HYPEREKPLEXIA 3, AUTOSOMAL DOMINANT. Identifiers: Orphanet 3197, MedGen C3553288, MONDO:0013827, OMIM 614618.

Allele frequency attached by ClinVar (database versions not stated): gnomAD exomes below 0.00001; ExAC 0.00001.
gnomAD v4.1: 1 of 1,612,074 alleles (0.000062%); highest among the groups gnomAD compares: Non-Finnish European, 0.000085%; no homozygotes.

Submissions (2):

GeneReviews
Classification: Pathogenic for Hyperekplexia. Last evaluated: 2012-10-04. Review status: no assertion criteria provided. Collection method: curation. Allele origin: unknown.
ClinVar note: Converted during submission from pathologic to Pathogenic.

OMIM
Classification: Pathogenic for HYPEREKPLEXIA 3, AUTOSOMAL RECESSIVE. Last evaluated: 2006-07-01. Review status: no assertion criteria provided. Collection method: literature only. Allele origin: germline.

Literature cited by the submitters: PubMed 16751771 (cited by OMIM).